The following is an entry in ClinVar:

NM_001142800.2(EYS):c.9302_9303del (p.Gln3101fs)

Genes: EYS (EGF-like photoreceptor maintenance factor; minus strand), PHF3 (PHD finger protein 3; plus strand). Cytogenetic location: 6q12.
Variant type: Deletion.
Coding change: c.9302_9303del on transcript NM_001142800.2 (MANE Select); coding-DNA positions 9302 to 9303, 2 bases deleted (AA; older notation c.9302_9303delAA).
Protein change: p.Gln3101fs; shifts the reading frame from glutamine 3101.
Molecular consequence: frameshift variant. On other transcripts: 3 prime UTR variant (5).
Genome position (GRCh38, 1-based): chr6:63,720,728-63,720,729, TT deleted on the plus strand (AA on the coding strand, the reverse complement: EYS is on the minus strand). VCF-style (leftmost placement, unchanged base first): chr6-63720727-CTT-C. GRCh37 (hg19) VCF-style: chr6-64430623-CTT-C.
Other names: c.*7020_*7021del (NM_001290259.2, NM_001370348.2, NM_001370349.2 and 2 more transcripts); c.9365_9366del, p.Gln3122fs (NM_001292009.2); c.9302_9303delAA (NM_001142800.2); short protein forms Q3122fs, Q3101fs.
Identifiers: ClinVar variation 2098392 (VCV002098392.6), dbSNP rs1281773356, ClinGen allele CA826968692.

ClinVar aggregate classification (germline): Conflicting classifications of pathogenicity. Review status: criteria provided, conflicting classifications (1 of 4 stars). 3 submissions from 3 submitters: Pathogenic (1); Likely pathogenic (1); Uncertain significance (1). Last evaluated 2023-12-14.

Conditions:
Retinal dystrophy. Also called: Inherited retinal dystrophy. Identifiers: Orphanet 71862, MedGen C0854723, MeSH D058499, MONDO:0019118, HP:0000556.
Retinitis pigmentosa 25 (RP25). Identifiers: Orphanet 791, MedGen C1864446, MONDO:0011272, OMIM 602772.

Allele frequency attached by ClinVar (database versions not stated): TOPMed below 0.00001; gnomAD 0.00001.

Submissions (3):

Labcorp Genetics (formerly Invitae), Labcorp
Classification: Pathogenic. Last evaluated: 2023-12-14. Review status: criteria provided, single submitter. Criteria: Invitae Variant Classification Sherloc (09022015). Collection method: clinical testing. Allele origin: germline.
Comment: This sequence change creates a premature translational stop signal (p.Gln3101Argfs*4) in the EYS gene. While this is not anticipated to result in nonsense mediated decay, it is expected to disrupt the last 44 amino acid(s) of the EYS protein. This variant is not present in population databases (gnomAD no frequency). This premature translational stop signal has been observed in individual(s) with retinitis pigmentosa (PMID: 33691693). This variant is also known as c.9365_9366del (p.Q3122fs). ClinVar contains an entry for this variant (Variation ID: 2098392). This variant disrupts a region of the EYS protein in which other variant(s) (p.Tyr3135*) have been determined to be pathogenic (PMID: 18976725, 29159838, 30337596, 31074760). This suggests that this is a clinically significant region of the protein, and that variants that disrupt it are likely to be disease-causing. For these reasons, this variant has been classified as Pathogenic.

Dept Of Ophthalmology, Nagoya University
Classification: Uncertain significance for Retinal dystrophy. Last evaluated: 2023-10-01. Review status: criteria provided, single submitter. Criteria: Submitter's publication. Collection method: research. Allele origin: germline. Affected: yes.

Baylor Genetics
Classification: Likely pathogenic for Retinitis pigmentosa 25. Last evaluated: 2022-04-19. Review status: criteria provided, single submitter. Criteria: ACMG Guidelines, 2015. Collection method: clinical testing. Allele origin: unknown.

Literature cited by the submitters: PubMed 33691693 (cited by Labcorp Genetics (formerly Invitae), Labcorp); PubMed 18976725 (cited by Labcorp Genetics (formerly Invitae), Labcorp); PubMed 29159838 (cited by Labcorp Genetics (formerly Invitae), Labcorp); PubMed 30337596 (cited by Labcorp Genetics (formerly Invitae), Labcorp); PubMed 31074760 (cited by Labcorp Genetics (formerly Invitae), Labcorp).